The following is an entry in ClinVar:

NM_000465.4(BARD1):c.2251C>T (p.Arg751Trp)

Gene: BARD1 (BRCA1 associated RING domain 1; minus strand). Cytogenetic location: 2q35.
Variant type: single nucleotide variant.
Coding change: c.2251C>T on transcript NM_000465.4 (MANE Select); coding-DNA position 2251, C replaced by T.
Protein change: p.Arg751Trp; replaces arginine 751 with tryptophan.
Molecular consequence: missense variant. On other transcripts: non-coding transcript variant (3).
Genome position (GRCh38, 1-based): chr2:214,728,759, G>A on the plus strand (C>T on the coding strand, the complement: BARD1 is on the minus strand). VCF-style: chr2-214728759-G-A. GRCh37 (hg19) VCF-style: chr2-215593483-G-A.
Other names: NP_000456.2:p.Arg751Trp; c.2194C>T, p.Arg732Trp (NM_001282543.2); c.898C>T, p.Arg300Trp (NM_001282545.2); c.841C>T, p.Arg281Trp (NM_001282548.2); c.712C>T, p.Arg238Trp (NM_001282549.2); short protein forms R751W, R732W, R238W, R281W, R300W.
Identifiers: ClinVar variation 418642 (VCV000418642.27), dbSNP rs139785364, ClinGen allele CA2090056.
Genomic context (GRCh38, chr2:214,728,759, plus strand): 5'-CAAAGGACATCACACAGTCTATAAACCAGCTCGAAGGAGCCTTCCAGACTTTGCCCTGCC[G>A]AACCCTCTCTGGGTGATAATTACACAAATCTTCATAGATGATATACTGTGTGCAGAAGCG-3'
Protein context (NP_000456.2, residues 741-761): DLCNYHPERV[Arg751Trp]QGKVWKAPSS

ClinVar aggregate classification (germline): Uncertain significance. Review status: criteria provided, multiple submitters, no conflicts (2 of 4 stars). 9 submissions from 9 submitters: Uncertain significance (9). Last evaluated 2026-02-03.

Conditions:
Hereditary cancer-predisposing syndrome. Also called: Hereditary Cancer Syndrome; Tumor predisposition; Hereditary neoplastic syndrome; Neoplastic Syndromes, Hereditary. Identifiers: Orphanet 140162, MedGen C0027672, MeSH D009386, MONDO:0015356.
Hereditary breast ovarian cancer syndrome. Also called: Hereditary breast and/or ovarian cancer syndrome; BRCA1- and BRCA2-Associated Hereditary Breast and Ovarian Cancer; Hereditary breast and ovarian cancer syndrome (HBOC); Hereditary breast and ovarian cancer syndrome; Breast and ovarian cancer; Hereditary breast and ovarian cancer. Identifiers: Orphanet 145, MedGen C0677776, MeSH D061325, MONDO:0003582. Disease mechanism: loss of function.
Familial cancer of breast. Also called: Hereditary breast cancer; hereditary breast carcinoma; BREAST CANCER, FAMILIAL. Identifiers: Orphanet 227535, MedGen C0346153, MONDO:0016419, OMIM 114480. Disease mechanism: loss of function.

Allele frequency attached by ClinVar (database versions not stated): gnomAD 0.00001; TOPMed below 0.00001; ExAC 0.00002; gnomAD exomes 0.00001 and 0.00002; ESP Exome Variant Server 0.00008.
gnomAD v4.1: 14 of 1,613,986 alleles (0.00087%); highest among the groups gnomAD compares: African/African-American, 0.004%; no homozygotes.

Submissions (9):

Labcorp Genetics (formerly Invitae), Labcorp
Classification: Uncertain significance for Familial cancer of breast. Last evaluated: 2026-02-03. Review status: criteria provided, single submitter. Criteria: Invitae Variant Classification Sherloc (09022015). Collection method: clinical testing. Allele origin: germline.
Comment: This sequence change replaces arginine, which is basic and polar, with tryptophan, which is neutral and slightly polar, at codon 751 of the BARD1 protein (p.Arg751Trp). This variant is present in population databases (rs139785364, gnomAD 0.004%). This missense change has been observed in individual(s) with breast cancer, ovarian cancer, and/or pancreatic cancer (PMID: 30441849, 31317629, 34034685). ClinVar contains an entry for this variant (Variation ID: 418642). An algorithm developed to predict the effect of missense changes on protein structure and function (PolyPhen-2) suggests that this variant is likely to be disruptive. In summary, the available evidence is currently insufficient to determine the role of this variant in disease. Therefore, it has been classified as a Variant of Uncertain Significance.

Ambry Genetics
Classification: Uncertain significance for Hereditary cancer-predisposing syndrome. Last evaluated: 2025-08-18. Review status: criteria provided, single submitter. Criteria: Ambry Variant Classification Scheme 2023. Collection method: clinical testing. Allele origin: germline.
Comment: The p.R751W variant (also known as c.2251C>T), located in coding exon 11 of the BARD1 gene, results from a C to T substitution at nucleotide position 2251. The arginine at codon 751 is replaced by tryptophan, an amino acid with dissimilar properties. This variant was detected in a cohort of 333 Polish individuals diagnosed with ovarian cancer (Koczkowska M et al. Cancers (Basel), 2018 Nov;10:). This variant was also reported in 2/60,466 breast cancer cases and in 1/53,461 controls (Dorling et al. N Engl J Med. 2021 02;384:428-439). Additionally, this alteration was identified in an individual diagnosed with pancreatic cancer (Rapposelli IG et al. BMC Cancer, 2021 May;21:611). This amino acid position is highly conserved in available vertebrate species. In addition, the in silico prediction for this alteration is inconclusive. Since supporting evidence is limited at this time, the clinical significance of this alteration remains unclear.

KCCC/NGS Laboratory, Kuwait Cancer Control Center
Classification: Uncertain significance for Familial cancer of breast. Last evaluated: 2025-08-04. Review status: criteria provided, single submitter. Criteria: ACMG Guidelines, 2015. Collection method: clinical testing. Allele origin: germline. Inheritance: Autosomal dominant inheritance. Affected: yes. Observed: 1 heterozygote.
Comment: This sequence change replaces arginine, which is basic and polar, with tryptophan, which is neutral and slightly polar, at codon 751 of the BARD1 protein (p.Arg751Trp). This amino acid position is highly conserved.

Dasa
Classification: Uncertain significance. Last evaluated: 2025-06-06. Review status: criteria provided, single submitter. Criteria: DASA Assertion Criteria. Collection method: clinical testing. Allele origin: germline.
Comment: NM_000465.4(BARD1):c.2251C>T (p.Arg751Trp) is a missense variant that results in the substitution of arginine with tryptophan. This variant is rare in population databases. Computational prediction algorithms are consistent with a benign effect. The currently available literature and clinical evidence are not sufficient to establish a definitive association between this variant and the reported condition. Therefore, this variant is classified as a variant of uncertain significance.

Color Diagnostics, LLC DBA Color Health
Classification: Uncertain significance for Hereditary cancer-predisposing syndrome. Last evaluated: 2025-03-17. Review status: criteria provided, single submitter. Criteria: ACMG Guidelines, 2015. Collection method: clinical testing. Allele origin: germline.
Comment: This missense variant replaces arginine with tryptophan at codon 751 of the BARD1 protein. Computational prediction suggests that this variant may not impact protein structure and function. This variant has been reported in individuals affected with breast cancer, ovarian cancer, and pancreatic cancer (PMID: 30441849, 31317629, 33471991, 34034685). This variant has been identified in 5/282642 chromosomes in the general population by the Genome Aggregation Database (gnomAD). The available evidence is insufficient to determine the role of this variant in disease conclusively. Therefore, this variant is classified as a Variant of Uncertain Significance.

Baylor Genetics
Classification: Uncertain significance for Familial cancer of breast. Last evaluated: 2023-08-15. Review status: criteria provided, single submitter. Criteria: ACMG Guidelines, 2015. Collection method: clinical testing. Allele origin: unknown.

National Health Laboratory Service, Universitas Academic Hospital and University of the Free State
Classification: Uncertain significance for Hereditary breast ovarian cancer syndrome. Last evaluated: 2022-04-19. Review status: criteria provided, single submitter. Criteria: ACMG Guidelines, 2015. Collection method: clinical testing. Allele origin: germline. Affected: yes. Observed: 1 variant allele.

Sema4
Classification: Uncertain significance for Hereditary cancer-predisposing syndrome. Last evaluated: 2021-11-18. Review status: criteria provided, single submitter. Criteria: Sema4 Curation Guidelines. Collection method: curation. Allele origin: germline.
Comment: The BARD1 c.2251C>T (p.R751W) missense variant has been reported in at least 2 individuals with pancreatic cancer and ovarian cancer (PMID: 34034685, 30441849). This variant is also reported in 2 women with breast cancer in a large dataset of 60,466 women with breast cancer, and 1/53,461 controls (PMID 33471991). This variant was observed in 2/24960 chromosomes in the African/African American population according to the Genome Aggregation Database (PMID: 32461654). This variant has been reported in ClinVar (Variation ID 418642). Functional studies have not been performed, and in silico predictions of the variant's effect on protein function are inconclusive. The overall evidence is insufficient to meet ACMG/AMP criteria for classifying it as benign or pathogenic. In summary, the clinical significance of this variant is currently uncertain.

GeneDx
Classification: Uncertain significance. Last evaluated: 2017-02-24. Review status: criteria provided, single submitter. Criteria: GeneDx Variant Classification (06012015). Collection method: clinical testing. Allele origin: germline. Affected: yes.
Comment: This variant is denoted BARD1 c.2251C>T at the cDNA level, p.Arg751Trp (R751W) at the protein level, and results in the change of an Arginine to a Tryptophan (CGG>TGG). This variant has not, to our knowledge, been published in the literature as pathogenic or benign. BARD1 Arg751Trp was not observed at a significant allele frequency in the NHLBI Exome Sequencing Project. Since Arginine and Tryptophan differ in polarity, charge, size or other properties, this is considered a non-conservative amino acid substitution. BARD1 Arg751Trp occurs at a position that is conserved through mammals and is located within the BRCT2 domain (UniProt). In silico analyses predict that this variant is probably damaging to protein structure and function. Based on currently available evidence, it is unclear whether BARD1 Arg751Trp is a pathogenic or benign variant. We consider it to be a variant of uncertain significance.

Literature cited by the submitters: PubMed 30441849 (cited by 4 submitters); PubMed 31317629 (cited by Labcorp Genetics (formerly Invitae), Labcorp and Color Diagnostics, LLC DBA Color Health); PubMed 34034685 (cited by 4 submitters); PubMed 33471991 (cited by 3 submitters).